The following is an entry in ClinVar:

NM_000038.6(APC):c.3260T>A (p.Leu1087His)

Gene: APC (APC regulator of Wnt signaling pathway; plus strand). Cytogenetic location: 5q22.2.
Variant type: single nucleotide variant.
Coding change: c.3260T>A on transcript NM_000038.6 (MANE Select); coding-DNA position 3260, T replaced by A.
Protein change: p.Leu1087His; replaces leucine 1087 with histidine.
Molecular consequence: missense variant. On other transcripts: non-coding transcript variant (2).
Genome position (GRCh38, 1-based): chr5:112,838,854, T>A. VCF-style: chr5-112838854-T-A. GRCh37 (hg19) VCF-style: chr5-112174551-T-A.
Other names: c.3260T>A, p.Leu1087His (NM_001127510.3, NM_001354895.2, NM_001407450.1); c.3206T>A, p.Leu1069His (NM_001127511.3); c.3314T>A, p.Leu1105His (NM_001354896.2, NM_001407447.1, NM_001407448.1 and 1 more transcripts); c.3290T>A, p.Leu1097His (NM_001354897.2); c.3185T>A, p.Leu1062His (NM_001354898.2); c.3176T>A, p.Leu1059His (NM_001354899.2); c.3137T>A, p.Leu1046His (NM_001354900.2); c.3083T>A, p.Leu1028His (NM_001354901.2, NM_001407453.1); and 11 more; short protein forms L1004H, L1028H, L1080H, L958H, L961H, L996H, L1062H, L1077H.
Identifiers: ClinVar variation 2567027 (VCV002567027.2), dbSNP rs2149888202, ClinGen allele CA16028487.
Genomic context (GRCh38, chr5:112,838,854, plus strand): 5'-AATCAAGGAATCAAAGTACAACTTATCCTGTTTATACTGAGAGCACTGATGATAAACACC[T>A]CAAGTTCCAACCACATTTTGGACAGCAGGAATGTGTTTCTCCATACAGGTCACGGGGAGC-3'
Protein context (NP_000029.2, residues 1077-1097): VYTESTDDKH[Leu1087His]KFQPHFGQQE

ClinVar aggregate classification (germline): Uncertain significance (1 of 4 stars; one submission).

Conditions:
Hereditary cancer-predisposing syndrome. Also called: Hereditary neoplastic syndrome; Hereditary Cancer Syndrome; Neoplastic Syndromes, Hereditary; Tumor predisposition. Identifiers: Orphanet 140162, MedGen C0027672, MeSH D009386, MONDO:0015356.

Submission:

Ambry Genetics
Classification: Uncertain significance for Hereditary cancer-predisposing syndrome. Last evaluated: 2023-05-09. Review status: criteria provided, single submitter. Criteria: Ambry Variant Classification Scheme 2023. Collection method: clinical testing. Allele origin: germline.
Comment: The p.L1087H variant (also known as c.3260T>A), located in coding exon 15 of the APC gene, results from a T to A substitution at nucleotide position 3260. The leucine at codon 1087 is replaced by histidine, an amino acid with similar properties. This amino acid position is conserved. In addition, in silico predictors for this gene do not accurately predict pathogenicity. Since supporting evidence is limited at this time, the clinical significance of this alteration remains unclear.